The following is an entry in ClinVar:

NM_003072.5(SMARCA4):c.2622T>C (p.Arg874=)

Gene: SMARCA4 (SWI/SNF related BAF chromatin remodeling complex subunit ATPase 4; plus strand). Cytogenetic location: 19p13.2.
Variant type: single nucleotide variant.
Coding change: c.2622T>C on transcript NM_003072.5 (MANE Select); coding-DNA position 2622, T replaced by C.
Protein change: p.Arg874=; no amino-acid change (arginine 874 retained).
Molecular consequence: synonymous variant. On other transcripts: non-coding transcript variant (1).
Genome position (GRCh38, 1-based): chr19:11,021,730, T>C. VCF-style: chr19-11021730-T-C. GRCh37 (hg19) VCF-style: chr19-11132406-T-C.
Other names: c.2622T>C, p.Arg874= (NM_001128844.3, NM_001128845.2, NM_001128846.2 and 6 more transcripts).
Identifiers: ClinVar variation 4084187 (VCV004084187.8).

ClinVar aggregate classification (germline): Likely benign (1 of 4 stars; one submission).

Submission:

CeGaT Center for Human Genetics Tuebingen
Classification: Likely benign. Last evaluated: 2025-08-01. Review status: criteria provided, single submitter. Criteria: CeGaT Center For Human Genetics Tuebingen Variant Classification Criteria Version 2. Collection method: clinical testing. Allele origin: germline. Affected: yes. Observed: 1 variant allele.
Comment: SMARCA4: PM2:Supporting, BP4, BP7